The following is an entry in ClinVar:

ClinVar aggregate classification (germline): Uncertain significance (0 of 4 stars; one submission).

Conditions:
RERE-related disorder. Also called: RERE-Related Disorders; RERE-related condition. Identifiers: MedGen CN381537.

Submission:

PreventionGenetics, part of Exact Sciences
Classification: Uncertain significance for RERE-related condition. Last evaluated: 2024-03-20. Review status: no assertion criteria provided. Collection method: clinical testing. Allele origin: germline.
Comment: The RERE c.2612C>T variant is predicted to result in the amino acid substitution p.Pro871Leu. To our knowledge, this variant has not been reported in the literature or in a large population database, indicating this variant is rare. At this time, the clinical significance of this variant is uncertain due to the absence of conclusive functional and genetic evidence.

NM_001042681.2(RERE):c.2612C>T (p.Pro871Leu)

Gene: RERE (arginine-glutamic acid dipeptide repeats; minus strand). Cytogenetic location: 1p36.23.
Variant type: single nucleotide variant.
Coding change: c.2612C>T on transcript NM_001042681.2 (MANE Select); coding-DNA position 2612, C replaced by T.
Protein change: p.Pro871Leu; replaces proline 871 with leucine.
Molecular consequence: missense variant.
Genome position (GRCh38, 1-based): chr1:8,360,895, G>A on the plus strand (C>T on the coding strand, the complement: RERE is on the minus strand). VCF-style: chr1-8360895-G-A. GRCh37 (hg19) VCF-style: chr1-8420955-G-A.
Other names: c.950C>T, p.Pro317Leu (NM_001042682.2); c.2612C>T, p.Pro871Leu (NM_012102.4); short protein forms P317L, P871L.
Identifiers: ClinVar variation 3348407 (VCV003348407.1).